The following is an entry in ClinVar:

NM_001360.3(DHCR7):c.513C>T (p.Thr171=)

Gene: DHCR7 (7-dehydrocholesterol reductase; minus strand). Cytogenetic location: 11q13.4.
Variant type: single nucleotide variant.
Coding change: c.513C>T on transcript NM_001360.3 (MANE Select); coding-DNA position 513, C replaced by T.
Protein change: p.Thr171=; no amino-acid change (threonine 171 retained).
Molecular consequence: synonymous variant.
Genome position (GRCh38, 1-based): chr11:71,441,340, G>A on the plus strand (C>T on the coding strand, the complement: DHCR7 is on the minus strand). VCF-style: chr11-71441340-G-A. GRCh37 (hg19) VCF-style: chr11-71152386-G-A.
Other names: c.513C>T, p.Thr171= (NM_001163817.2).
Identifiers: ClinVar variation 759350 (VCV000759350.15), dbSNP rs566499249, ClinGen allele CA6162545.

ClinVar aggregate classification (germline): Likely benign. Review status: criteria provided, multiple submitters, no conflicts (2 of 4 stars). 4 submissions from 4 submitters: Likely benign (3). 1 of the submissions does not count toward it. Last evaluated 2026-01-11.

Conditions:
DHCR7-related disorder. Also called: DHCR7-related condition.
Smith-Lemli-Opitz syndrome (SLOS). Also called: POLYDACTYLY, SEX REVERSAL, RENAL HYPOPLASIA, AND UNILOBAR LUNG; RSH SYNDROME; RUTLEDGE LETHAL MULTIPLE CONGENITAL ANOMALY SYNDROME; LETHAL ACRODYSGENITAL SYNDROME; 7-Dehydrocholesterol reductase deficiency. Identifiers: Orphanet 818, MedGen C0175694, MONDO:0010035, OMIM 270400.

Allele frequency attached by ClinVar (database versions not stated): gnomAD 0.00001 and 0.00004; TOPMed 0.00002; gnomAD exomes 0.00003 and 0.00005; ExAC 0.00004; 1000 Genomes Project 30x 0.00016; 1000 Genomes Project 0.00020.
gnomAD v4.1: 48 of 1,614,230 alleles (0.003%); highest among the groups gnomAD compares: East Asian, 0.058%; no homozygotes.

Submissions (4):

Labcorp Genetics (formerly Invitae), Labcorp
Classification: Likely benign for Smith-Lemli-Opitz syndrome. Last evaluated: 2026-01-11. Review status: criteria provided, single submitter. Criteria: Invitae Variant Classification Sherloc (09022015). Collection method: clinical testing. Allele origin: germline.

Blueprint Genetics
Classification: Likely benign. Last evaluated: 2023-04-19. Review status: criteria provided, single submitter. Criteria: ACMG Guidelines, 2015. Collection method: clinical testing. Allele origin: germline.

Fulgent Genetics
Classification: Likely benign for Smith-Lemli-Opitz syndrome. Last evaluated: 2021-10-22. Review status: criteria provided, single submitter. Criteria: ACMG Guidelines, 2015. Collection method: clinical testing. Allele origin: unknown.

PreventionGenetics, part of Exact Sciences
Classification: Likely benign for DHCR7-related condition. Last evaluated: 2022-08-30. Review status: no assertion criteria provided. Collection method: clinical testing. Allele origin: germline. Not counted in ClinVar's aggregate classification.
Comment: This variant is classified as likely benign based on ACMG/AMP sequence variant interpretation guidelines (Richards et al. 2015 PMID: 25741868, with internal and published modifications).